The following is an entry in ClinVar:

ClinVar aggregate classification (germline): Pathogenic/Likely pathogenic. Review status: criteria provided, multiple submitters, no conflicts (2 of 4 stars). 3 submissions from 3 submitters: Pathogenic (2); Likely pathogenic (1). Last evaluated 2024-08-25.

Conditions:
VPS13A-related neurodegenerative disease. Also called: LEVINE-CRITCHLEY SYNDROME; ACANTHOCYTOSIS WITH NEUROLOGIC DISORDER; Choreoacanthocytosis; Chorea-acanthocytosis; Choreaacanthocytosis; VPS13A Disease. Identifiers: Orphanet 2388, MedGen C0393576, MONDO:0008695, OMIM 200150.

Submissions (3):

Myriad Genetics, Inc.
Classification: Pathogenic for VPS13A-related neurodegenerative disease. Last evaluated: 2024-08-25. Review status: criteria provided, single submitter. Criteria: Myriad Autosomal Dominant, Autosomal Recessive and X-Linked Classification Criteria (2023). Collection method: clinical testing. Allele origin: unknown.
Comment: NM_033305.2(VPS13A):c.2343dupA(L782Tfs*9) is expected to be pathogenic in the context of VPS13A disease. This variant is predicted to lead to an abnormal or absent protein product due to the creation of a premature termination codon in VPS13A, a gene where loss-of-function variants are known to be pathogenic. Please note: this variant was assessed in the context of healthy population screening.

Revvity Omics, Revvity
Classification: Likely pathogenic for VPS13A-related neurodegenerative disease. Last evaluated: 2024-06-04. Review status: criteria provided, single submitter. Criteria: ACMG Guidelines, 2015. Collection method: clinical testing. Allele origin: germline.

Labcorp Genetics (formerly Invitae), Labcorp
Classification: Pathogenic. Last evaluated: 2022-11-15. Review status: criteria provided, single submitter. Criteria: Invitae Variant Classification Sherloc (09022015). Collection method: clinical testing. Allele origin: germline.
Comment: This sequence change creates a premature translational stop signal (p.Leu782Thrfs*9) in the VPS13A gene. It is expected to result in an absent or disrupted protein product. Loss-of-function variants in VPS13A are known to be pathogenic (PMID: 12404112, 21598378). This variant is not present in population databases (gnomAD no frequency). This variant has not been reported in the literature in individuals affected with VPS13A-related conditions. For these reasons, this variant has been classified as Pathogenic.

Literature cited by the submitters: PubMed 12404112 (cited by Labcorp Genetics (formerly Invitae), Labcorp); PubMed 21598378 (cited by Labcorp Genetics (formerly Invitae), Labcorp).

NM_033305.3(VPS13A):c.2343dup (p.Leu782fs)

Gene: VPS13A (vacuolar protein sorting 13 homolog A; plus strand). Cytogenetic location: 9q21.2.
Variant type: Duplication.
Coding change: c.2343dup on transcript NM_033305.3 (MANE Select); coding-DNA position 2343, one base duplicated (A; older notation c.2343dupA).
Protein change: p.Leu782fs; shifts the reading frame from leucine 782.
Molecular consequence: frameshift variant.
Genome position (GRCh38, 1-based): chr9:77,260,140, A duplicated; the last of 6 consecutive A bases (chr9:77,260,135-77,260,140); duplicating any one gives the same sequence. VCF-style (leftmost placement, unchanged base first): chr9-77260134-T-TA. GRCh37 (hg19) VCF-style: chr9-79875050-T-TA.
Other names: c.2343dup, p.Leu782fs (NM_001018037.2, NM_001018038.3, NM_015186.4); short protein forms L782fs.
Identifiers: ClinVar variation 3007627 (VCV003007627.5), dbSNP rs1488814919, ClinGen allele CA2740095494.